The following is an entry in ClinVar:

NM_012472.6(DNAAF11):c.429+28C>A

Gene: DNAAF11 (dynein axonemal assembly factor 11; minus strand). Cytogenetic location: 8q24.22.
Variant type: single nucleotide variant.
Coding change: c.429+28C>A on transcript NM_012472.6 (MANE Select); 28 bases into the intron after coding-DNA position 429, C replaced by A.
Molecular consequence: intron variant.
Genome position (GRCh38, 1-based): chr8:132,637,907, G>T on the plus strand (C>A on the coding strand, the complement: DNAAF11 is on the minus strand). VCF-style: chr8-132637907-G-T. GRCh37 (hg19) VCF-style: chr8-133650153-G-T.
Other names: c.183+28C>A (NM_001321962.2); c.429+28C>A (NM_001321961.2); c.69+28C>A (NM_001321966.2, NM_001321963.2, NM_001321964.2 and 1 more transcripts).
Identifiers: ClinVar variation 4880060 (VCV004880060.1).

ClinVar aggregate classification (germline): Uncertain significance (1 of 4 stars; one submission).

Conditions:
Primary ciliary dyskinesia. Also called: Ciliary dyskinesia. Identifiers: Orphanet 244, MedGen C0008780, MONDO:0016575, HP:0012265.

gnomAD v4.1: 1,071 of 1,566,416 alleles (0.068%); highest among the groups gnomAD compares: Non-Finnish European, 0.065%; 3 homozygotes.

Submission:

Department of Human Genetics, Hannover Medical School
Classification: Uncertain significance for Primary Ciliary Dyskinesia. Last evaluated: 2026-04-01. Review status: criteria provided, single submitter. Criteria: ACMG Guidelines, 2015. Collection method: research. Allele origin: germline. Affected: no.
Comment: Classification performed by HerediClassify using the following criteria:['PM1_supporting: Variant in mutational hotspot.', 'PM2_supporting: Variant occures does not occur as homozygous in gnomAD.', "PP4_moderate: The PICADAR socre of 10.0 exceeds threshold of 8 achieving 'strong' evidence strength."]